The following is an entry in ClinVar:

NM_004999.4(MYO6):c.334A>G (p.Ile112Val)

Gene: MYO6 (myosin VI; plus strand). Cytogenetic location: 6q14.1.
Variant type: single nucleotide variant.
Coding change: c.334A>G on transcript NM_004999.4 (MANE Select); coding-DNA position 334, A replaced by G.
Protein change: p.Ile112Val; replaces isoleucine 112 with valine.
Molecular consequence: missense variant. On other transcripts: non-coding transcript variant (2).
Genome position (GRCh38, 1-based): chr6:75,830,488, A>G. VCF-style: chr6-75830488-A-G. GRCh37 (hg19) VCF-style: chr6-76540205-A-G.
Other names: c.334A>G, p.Ile112Val (NM_001300899.2, NM_001368136.1, NM_001368137.1 and 5 more transcripts); short protein forms I112V.
Identifiers: ClinVar variation 3622263 (VCV003622263.2).

ClinVar aggregate classification (germline): Uncertain significance (1 of 4 stars; one submission).

gnomAD v4.1: 9 of 1,612,418 alleles (0.00056%); highest among the groups gnomAD compares: Admixed American, 0.0033%; no homozygotes.

Submission:

Labcorp Genetics (formerly Invitae), Labcorp
Classification: Uncertain significance. Last evaluated: 2024-09-14. Review status: criteria provided, single submitter. Criteria: Invitae Variant Classification Sherloc (09022015). Collection method: clinical testing. Allele origin: germline.
Comment: This sequence change replaces isoleucine, which is neutral and non-polar, with valine, which is neutral and non-polar, at codon 112 of the MYO6 protein (p.Ile112Val). This variant is present in population databases (no rsID available, gnomAD 0.006%). This variant has not been reported in the literature in individuals affected with MYO6-related conditions. Invitae Evidence Modeling of protein sequence and biophysical properties (such as structural, functional, and spatial information, amino acid conservation, physicochemical variation, residue mobility, and thermodynamic stability) indicates that this missense variant is not expected to disrupt MYO6 protein function with a negative predictive value of 80%. In summary, the available evidence is currently insufficient to determine the role of this variant in disease. Therefore, it has been classified as a Variant of Uncertain Significance.